The following is an entry in ClinVar:

NC_000011.10:g.(?_22239559)_(22279775_?)dup

Gene: ANO5 (anoctamin 5; plus strand). Cytogenetic location: 11p14.3.
Variant type: Duplication.
Identifiers: ClinVar variation 831441 (VCV000831441.9).

ClinVar aggregate classification (germline): Uncertain significance (1 of 4 stars; one submission).

Conditions:
Autosomal recessive limb-girdle muscular dystrophy type 2L (LGMDR12). Also called: Limb-girdle muscular dystrophy, type 2L; Limb-Girdle Muscular Dystrophy R12 Anoctamin-5-Related (LGMD-R12); MUSCULAR DYSTROPHY, LIMB-GIRDLE, AUTOSOMAL RECESSIVE 12. Identifiers: Orphanet 206549, MedGen C1969785, MONDO:0012652, OMIM 611307.
Gnathodiaphyseal dysplasia (GDD). Also called: OSTEOGENESIS IMPERFECTA WITH UNUSUAL SKELETAL LESIONS; GNATHODIAPHYSEAL SCLEROSIS. Identifiers: Orphanet 53697, MedGen C1833736, MONDO:0008151, OMIM 166260.

Submission:

Labcorp Genetics (formerly Invitae), Labcorp
Classification: Uncertain significance for Autosomal recessive limb-girdle muscular dystrophy type 2L; Gnathodiaphyseal dysplasia. Last evaluated: 2022-09-13. Review status: criteria provided, single submitter. Criteria: Invitae Variant Classification Sherloc (09022015). Collection method: clinical testing. Allele origin: germline.
Comment: In summary, the available evidence is currently insufficient to determine the role of this variant in disease. Therefore, it has been classified as a Variant of Uncertain Significance. Experimental studies and prediction algorithms are not available or were not evaluated, and the functional significance of this variant is currently unknown. This variant has not been reported in the literature in individuals affected with ANO5-related conditions. This variant results in a copy number gain of the genomic region encompassing exon(s) 9-22 of the ANO5 gene. This region includes the termination codon of the gene. This copy number gain extends beyond the assayed region for this gene and therefore may encompass additional genes. As the precise location of this event is unknown, it may be in tandem or it may be located elsewhere in the genome.